The following is an entry in ClinVar:

NM_000141.5(FGFR2):c.1274G>A (p.Arg425Gln)

Gene: FGFR2 (fibroblast growth factor receptor 2; minus strand). Cytogenetic location: 10q26.13.
Variant type: single nucleotide variant.
Coding change: c.1274G>A on transcript NM_000141.5 (MANE Select); coding-DNA position 1274, G replaced by A.
Protein change: p.Arg425Gln; replaces arginine 425 with glutamine.
Molecular consequence: missense variant. On other transcripts: non-coding transcript variant (1), intron variant (1).
Genome position (GRCh38, 1-based): chr10:121,515,130, C>T on the plus strand (G>A on the coding strand, the complement: FGFR2 is on the minus strand). VCF-style: chr10-121515130-C-T. GRCh37 (hg19) VCF-style: chr10-123274644-C-T.
Other names: c.1277G>A, p.Arg426Gln (NM_001144913.1, NM_022970.4); c.938G>A, p.Arg313Gln (NM_001144914.1); c.1007G>A, p.Arg336Gln (NM_001144915.2, NM_023029.3); c.929G>A, p.Arg310Gln (NM_001144916.2, NM_001144918.2); c.1010G>A, p.Arg337Gln (NM_001144919.2); c.590G>A, p.Arg197Gln (NM_001320654.2); c.1274G>A, p.Arg425Gln (NM_001320658.2); c.939+4849G>A (NM_001144917.2); short protein forms R310Q, R336Q, R426Q, R313Q, R197Q, R337Q, R425Q.
Identifiers: ClinVar variation 2202644 (VCV002202644.5), dbSNP rs998662110, ClinGen allele CA214305230.

ClinVar aggregate classification (germline): Conflicting classifications of pathogenicity. Review status: criteria provided, conflicting classifications (1 of 4 stars). 2 submissions from 2 submitters: Likely pathogenic (1); Uncertain significance (1). Last evaluated 2025-12-29.

Conditions:
FGFR2-related craniosynostosis. Identifiers: MedGen CN231480.
Autosomal dominant syndrome including deafness.

Allele frequency attached by ClinVar (database versions not stated): gnomAD exomes 0.00001; gnomAD 0.00002; TOPMed 0.00005.
gnomAD v4.1: 27 of 1,613,992 alleles (0.0017%); highest among the groups gnomAD compares: South Asian, 0.0055%; no homozygotes.

Submissions (2):

Labcorp Genetics (formerly Invitae), Labcorp
Classification: Uncertain significance for FGFR2-related craniosynostosis. Last evaluated: 2025-12-29. Review status: criteria provided, single submitter. Criteria: Invitae Variant Classification Sherloc (09022015). Collection method: clinical testing. Allele origin: germline.
Comment: This sequence change replaces arginine, which is basic and polar, with glutamine, which is neutral and polar, at codon 425 of the FGFR2 protein (p.Arg425Gln). This variant is present in population databases (no rsID available, gnomAD 0.003%). This missense change has been observed in individual(s) with FGFR2-related conditions (PMID: 36633841). ClinVar contains an entry for this variant (Variation ID: 2202644). Invitae Evidence Modeling of protein sequence and biophysical properties (such as structural, functional, and spatial information, amino acid conservation, physicochemical variation, residue mobility, and thermodynamic stability) indicates that this missense variant is not expected to disrupt FGFR2 protein function with a negative predictive value of 80%. In summary, the available evidence is currently insufficient to determine the role of this variant in disease. Therefore, it has been classified as a Variant of Uncertain Significance.

King Laboratory, University of Washington
Classification: Likely pathogenic for Autosomal dominant syndrome including deafness. Last evaluated: 2023-02-28. Review status: criteria provided, single submitter. Criteria: Li et al. (Genet Med. 2022). Collection method: research. Allele origin: unknown. Affected: yes.
Comment: This variant occurred in heterozygosity in a patient with multiple congenital anomalies including lateral facial clefting, ophthalmologic abnormalities including glaucoma, tetralogy of Fallot, scoliosis, neurologic abnormalities including Dandy-Walker formation, and bilateral sensorineural hearing loss of onset <18 years, in a study of pediatric hearing loss conducted by the King Laboratory (Carlson RJ et al. JAMA-OtoHNS 2023). This patient's family history is unknown. This variant is a missense at a highly conserved site in the ligand binding region of the FGFR2 protein and is predicted to be damaging by multiple in-silico tools. As of January 2023, this variant has not been reported to ClinVar. Based on consistently predicted functional effect and goodness of fit of genotype to phenotype we conclude that this variant is likely pathogenic.

Literature cited by the submitters: PubMed 36633841 (cited by Labcorp Genetics (formerly Invitae), Labcorp and King Laboratory, University of Washington).